The following is an entry in ClinVar:

NM_001242957.3(MAK):c.101+1G>A

Gene: MAK (male germ cell associated kinase; minus strand). Cytogenetic location: 6p24.2.
Variant type: single nucleotide variant.
Coding change: c.101+1G>A on transcript NM_001242957.3 (MANE Select); the canonical splice donor site of the intron after coding-DNA position 101, G replaced by A.
Molecular consequence: splice donor variant. On other transcripts: intron variant (1).
Genome position (GRCh38, 1-based): chr6:10,830,547, C>T on the plus strand (G>A on the coding strand, the complement: MAK is on the minus strand). VCF-style: chr6-10830547-C-T. GRCh37 (hg19) VCF-style: chr6-10830780-C-T.
Other names: c.-2+7956G>A (NM_001377262.1); c.101+1G>A (NM_005906.6, NM_001242385.2).
Identifiers: ClinVar variation 1066032 (VCV001066032.9), dbSNP rs1300819259, ClinGen allele CA362721683.

ClinVar aggregate classification (germline): Likely pathogenic. Review status: criteria provided, multiple submitters, no conflicts (2 of 4 stars). 3 submissions from 3 submitters: Likely pathogenic (3). Last evaluated 2024-01-14.

Conditions:
MAK-related disorders.
Retinitis pigmentosa (RP). Identifiers: Orphanet 791, MedGen C0035334, MeSH D012174, MONDO:0019200, OMIM 268000. Inheritance: Autosomal dominant, autosomal recessive and X linked inheritance.

Allele frequency attached by ClinVar (database versions not stated): gnomAD exomes below 0.00001; gnomAD 0.00001; TOPMed 0.00001.
gnomAD v4.1: 5 of 1,612,598 alleles (0.00031%); highest among the groups gnomAD compares: African/African-American, 0.0027%; no homozygotes.

Submissions (3):

Labcorp Genetics (formerly Invitae), Labcorp
Classification: Likely pathogenic. Last evaluated: 2024-01-14. Review status: criteria provided, single submitter. Criteria: Invitae Variant Classification Sherloc (09022015). Collection method: clinical testing. Allele origin: germline.
Comment: This sequence change affects a donor splice site in intron 1 of the MAK gene. It is expected to disrupt RNA splicing. Variants that disrupt the donor or acceptor splice site typically lead to a loss of protein function (PMID: 16199547), and loss-of-function variants in MAK are known to be pathogenic (PMID: 21148103, 21825139, 24938718, 29781741). This variant is present in population databases (no rsID available, gnomAD 0.003%). Disruption of this splice site has been observed in individual(s) with clinical features of MAK-related conditions (PMID: 33576794). ClinVar contains an entry for this variant (Variation ID: 1066032). Algorithms developed to predict the effect of sequence changes on RNA splicing suggest that this variant may disrupt the consensus splice site. In summary, the currently available evidence indicates that the variant is pathogenic, but additional data are needed to prove that conclusively. Therefore, this variant has been classified as Likely Pathogenic.

Women's Health and Genetics/Laboratory Corporation of America, LabCorp
Classification: Likely pathogenic for Retinitis pigmentosa. Last evaluated: 2022-10-08. Review status: criteria provided, single submitter. Criteria: LabCorp Variant Classification Summary - May 2015. Collection method: clinical testing. Allele origin: germline.
Comment: Variant summary: MAK c.101+1G>A is located in a canonical splice-site and is predicted to affect mRNA splicing resulting in a significantly altered protein due to either exon skipping, shortening, or inclusion of intronic material. Four computational tools predict the variant abolishes a canonical 5' splicing donor site. However, these predictions have yet to be confirmed by functional studies. The variant allele was found at a frequency of 4e-06 in 250778 control chromosomes (gnomAD). To our knowledge, no occurrence of c.101+1G>A in individuals affected with Retinitis Pigmentosa and no experimental evidence demonstrating its impact on protein function have been reported. One ClinVar submitter has assessed the variant since 2014: the variant was classified as likely pathogenic. Based on the evidence outlined above, the variant was classified as likely pathogenic.

Blueprint Genetics
Classification: Likely pathogenic for MAK-related disorders. Last evaluated: 2022-03-05. Review status: criteria provided, single submitter. Criteria: ACMG Guidelines, 2015. Collection method: clinical testing. Allele origin: germline. Affected: yes. Observed: 3 variant alleles.

Literature cited by the submitters: PubMed 16199547 (cited by Labcorp Genetics (formerly Invitae), Labcorp); PubMed 21148103 (cited by Labcorp Genetics (formerly Invitae), Labcorp); PubMed 21825139 (cited by Labcorp Genetics (formerly Invitae), Labcorp); PubMed 24938718 (cited by Labcorp Genetics (formerly Invitae), Labcorp); PubMed 29781741 (cited by Labcorp Genetics (formerly Invitae), Labcorp); PubMed 33576794 (cited by Labcorp Genetics (formerly Invitae), Labcorp).